The following is an entry in ClinVar:

ClinVar aggregate classification (germline): Uncertain significance (1 of 4 stars; one submission).

Conditions:
Hereditary diffuse gastric adenocarcinoma (HDGC). Also called: DIFFUSE GASTRIC AND LOBULAR BREAST CANCER SYNDROME. Identifiers: Orphanet 26106, MedGen C1708349, MONDO:0007648, OMIM 137215.

Submission:

Labcorp Genetics (formerly Invitae), Labcorp
Classification: Uncertain significance for Hereditary diffuse gastric adenocarcinoma. Last evaluated: 2022-06-26. Review status: criteria provided, single submitter. Criteria: Invitae Variant Classification Sherloc (09022015). Collection method: clinical testing. Allele origin: germline.
Comment: In summary, the available evidence is currently insufficient to determine the role of this variant in disease. Therefore, it has been classified as a Variant of Uncertain Significance. Algorithms developed to predict the effect of missense changes on protein structure and function (SIFT, PolyPhen-2, Align-GVGD) all suggest that this variant is likely to be disruptive. This variant has not been reported in the literature in individuals affected with CDH1-related conditions. This variant is not present in population databases (gnomAD no frequency). This sequence change replaces isoleucine, which is neutral and non-polar, with asparagine, which is neutral and polar, at codon 435 of the CDH1 protein (p.Ile435Asn).

NM_004360.5(CDH1):c.1304T>A (p.Ile435Asn)

Gene: CDH1 (cadherin 1; plus strand). Cytogenetic location: 16q22.1.
Variant type: single nucleotide variant.
Coding change: c.1304T>A on transcript NM_004360.5 (MANE Select); coding-DNA position 1304, T replaced by A.
Protein change: p.Ile435Asn; replaces isoleucine 435 with asparagine.
Molecular consequence: missense variant. On other transcripts: 5 prime UTR variant (2), intron variant (1).
Genome position (GRCh38, 1-based): chr16:68,813,479, T>A. VCF-style: chr16-68813479-T-A. GRCh37 (hg19) VCF-style: chr16-68847382-T-A.
Other names: c.-312T>A (NM_001317185.2); c.-516T>A (NM_001317186.2); c.1137+1216T>A (NM_001317184.2); short protein forms I435N.
Identifiers: ClinVar variation 2010888 (VCV002010888.4), dbSNP rs2152133640, ClinGen allele CA396461873.
Genomic context (GRCh38, chr16:68,813,479, plus strand): 5'-TATTGAATGATGATGGTGGACAATTTGTCGTCACCACAAATCCAGTGAACAACGATGGCA[T>A]TTTGAAAACAGCAAAGGTTTGTATGGTACCTGGCAAGATGCAGAAACTGGCATCCTCACA-3'
Protein context (NP_004351.1, residues 425-445): VTTNPVNNDG[Ile435Asn]LKTAKGLDFE